The following is an entry in ClinVar:

NM_002941.4(ROBO1):c.3359A>G (p.Asn1120Ser)

Gene: ROBO1 (roundabout guidance receptor 1; minus strand). Cytogenetic location: 3p12.3.
Variant type: single nucleotide variant.
Coding change: c.3359A>G on transcript NM_002941.4 (MANE Select); coding-DNA position 3359, A replaced by G.
Protein change: p.Asn1120Ser; replaces asparagine 1120 with serine.
Molecular consequence: missense variant.
Genome position (GRCh38, 1-based): chr3:78,635,787, T>C on the plus strand (A>G on the coding strand, the complement: ROBO1 is on the minus strand). VCF-style: chr3-78635787-T-C. GRCh37 (hg19) VCF-style: chr3-78684937-T-C.
Other names: c.3359A>G (NM_002941.3); c.3224A>G, p.Asn1075Ser (NM_001145844.1, NM_133631.4); c.3059A>G, p.Asn1020Ser (NM_001145845.2); short protein forms N1020S, N1075S, N1120S.
Identifiers: ClinVar variation 1901448 (VCV001901448.6), dbSNP rs752201754, ClinGen allele CA2498404.

ClinVar aggregate classification (germline): Uncertain significance. Review status: criteria provided, multiple submitters, no conflicts (2 of 4 stars). 2 submissions from 2 submitters: Uncertain significance (2). Last evaluated 2023-12-08.

Conditions:
Inborn genetic diseases. Identifiers: MedGen C0950123, MeSH D030342.

Allele frequency attached by ClinVar (database versions not stated): ExAC 0.00002; gnomAD 0.00005; gnomAD exomes 0.00005; TOPMed 0.00005.
gnomAD v4.1: 84 of 1,613,494 alleles (0.0052%); highest among the groups gnomAD compares: Non-Finnish European, 0.0067%; no homozygotes.

Submissions (2):

Ambry Genetics
Classification: Uncertain significance for Inborn genetic diseases. Last evaluated: 2023-12-08. Review status: criteria provided, single submitter. Criteria: Ambry Variant Classification Scheme 2023. Collection method: clinical testing. Allele origin: germline.

Labcorp Genetics (formerly Invitae), Labcorp
Classification: Uncertain significance. Last evaluated: 2022-10-06. Review status: criteria provided, single submitter. Criteria: Invitae Variant Classification Sherloc (09022015). Collection method: clinical testing. Allele origin: germline.
Comment: In summary, the available evidence is currently insufficient to determine the role of this variant in disease. Therefore, it has been classified as a Variant of Uncertain Significance. This sequence change replaces asparagine, which is neutral and polar, with serine, which is neutral and polar, at codon 1120 of the ROBO1 protein (p.Asn1120Ser). This variant is present in population databases (rs752201754, gnomAD 0.005%). This variant has not been reported in the literature in individuals affected with ROBO1-related conditions. Advanced modeling of protein sequence and biophysical properties (such as structural, functional, and spatial information, amino acid conservation, physicochemical variation, residue mobility, and thermodynamic stability) performed at Invitae indicates that this missense variant is not expected to disrupt ROBO1 protein function.